The following is an entry in ClinVar:

NM_001243279.3(ACSF3):c.978-6G>A

Genes: ACSF3 (acyl-CoA synthetase family member 3; plus strand), LOC125177393 (P300/CBP strongly-dependent group 1 enhancer GRCh37_chr16:89180375-89181574; plus strand). Cytogenetic location: 16q24.3.
Variant type: single nucleotide variant.
Coding change: c.978-6G>A on transcript NM_001243279.3 (MANE Select); 6 bases into the intron before coding-DNA position 978, G replaced by A.
Molecular consequence: intron variant.
Genome position (GRCh38, 1-based): chr16:89,114,333, G>A. VCF-style: chr16-89114333-G-A. GRCh37 (hg19) VCF-style: chr16-89180741-G-A.
Other names: c.978-6G>A (NM_001127214.4, NM_174917.5); c.183-6G>A (NM_001284316.2).
Identifiers: ClinVar variation 390065 (VCV000390065.13), dbSNP rs377217672, ClinGen allele CA8237921.
Genomic context (GRCh38, chr16:89,114,333, plus strand): 5'-CTGCCACCTTTGCACGCGAGAGCCACGTCCCAAGGGGCTAAACCTGCCTTTGGTTGTGCC[G>A]CGTAGGCTGATGGTCTCAGGCTCAGCTGCCCTGCCCCTCCCAGTGCTGGAGAAGTGGAAG-3'

ClinVar aggregate classification (germline): Likely benign. Review status: criteria provided, multiple submitters, no conflicts (2 of 4 stars). 3 submissions from 3 submitters: Likely benign (3). Last evaluated 2024-09-16.

Conditions:
Combined malonic and methylmalonic acidemia. Identifiers: Orphanet 289504, MedGen C3280314, MONDO:0013661, OMIM 614265.

Allele frequency attached by ClinVar (database versions not stated): 1000 Genomes Project 30x 0.00016; 1000 Genomes Project 0.00020; ESP Exome Variant Server 0.00023; gnomAD 0.00025; TOPMed 0.00041.
gnomAD v4.1: 94 of 1,613,914 alleles (0.0058%); highest among the groups gnomAD compares: African/African-American, 0.093%; no homozygotes.

Submissions (3):

Blueprint Genetics
Classification: Likely benign. Last evaluated: 2024-09-16. Review status: criteria provided, single submitter. Criteria: ACMG Guidelines, 2015. Collection method: clinical testing. Allele origin: germline.

Labcorp Genetics (formerly Invitae), Labcorp
Classification: Likely benign for Combined malonic and methylmalonic acidemia. Last evaluated: 2024-03-14. Review status: criteria provided, single submitter. Criteria: Invitae Variant Classification Sherloc (09022015). Collection method: clinical testing. Allele origin: germline.

GeneDx
Classification: Likely benign. Last evaluated: 2016-10-20. Review status: criteria provided, single submitter. Criteria: GeneDx Variant Classification (06012015). Collection method: clinical testing. Allele origin: germline. Affected: yes.
Comment: This variant is considered likely benign or benign based on one or more of the following criteria: it is a conservative change, it occurs at a poorly conserved position in the protein, it is predicted to be benign by multiple in silico algorithms, and/or has population frequency not consistent with disease.